The following is an entry in ClinVar:

NM_002397.5(MEF2C):c.55-3T>G

Gene: MEF2C (myocyte enhancer factor 2C; minus strand). Cytogenetic location: 5q14.3.
Variant type: single nucleotide variant.
Coding change: c.55-3T>G on transcript NM_002397.5 (MANE Select); 3 bases into the intron before coding-DNA position 55, T replaced by G.
Molecular consequence: intron variant.
Genome position (GRCh38, 1-based): chr5:88,804,804, A>C on the plus strand (T>G on the coding strand, the complement: MEF2C is on the minus strand). VCF-style: chr5-88804804-A-C. GRCh37 (hg19) VCF-style: chr5-88100621-A-C.
Other names: c.55-3T>G (NM_001364329.2, NM_001364330.2, NM_001364333.2 and 29 more transcripts).
Identifiers: ClinVar variation 3653714 (VCV003653714.2).

ClinVar aggregate classification (germline): Uncertain significance (1 of 4 stars; one submission).

Conditions:
Neurodevelopmental disorder with hypotonia, stereotypic hand movements, and impaired language. Also called: Intellectual disability, autosomal dominant 20. Identifiers: Orphanet 228384, Orphanet 664410, MedGen C3150700, MONDO:0013266, OMIM 613443.

Submission:

Labcorp Genetics (formerly Invitae), Labcorp
Classification: Uncertain significance for Neurodevelopmental disorder with hypotonia, stereotypic hand movements, and impaired language. Last evaluated: 2024-05-17. Review status: criteria provided, single submitter. Criteria: Invitae Variant Classification Sherloc (09022015). Collection method: clinical testing. Allele origin: germline.
Comment: This sequence change falls in intron 2 of the MEF2C gene. It does not directly change the encoded amino acid sequence of the MEF2C protein. It affects a nucleotide within the consensus splice site. This variant is not present in population databases (gnomAD no frequency). This variant has not been reported in the literature in individuals affected with MEF2C-related conditions. Variants that disrupt the consensus splice site are a relatively common cause of aberrant splicing (PMID: 17576681, 9536098). Algorithms developed to predict the effect of sequence changes on RNA splicing suggest that this variant is not likely to affect RNA splicing. In summary, the available evidence is currently insufficient to determine the role of this variant in disease. Therefore, it has been classified as a Variant of Uncertain Significance.

Literature cited by the submitters: PubMed 17576681; PubMed 9536098.